The following is an entry in ClinVar:

NM_001036.6(RYR3):c.7523C>T (p.Thr2508Met)

Gene: RYR3 (ryanodine receptor 3; plus strand). Cytogenetic location: 15q14.
Variant type: single nucleotide variant.
Coding change: c.7523C>T on transcript NM_001036.6 (MANE Select); coding-DNA position 7523, C replaced by T.
Protein change: p.Thr2508Met; replaces threonine 2508 with methionine.
Molecular consequence: missense variant.
Genome position (GRCh38, 1-based): chr15:33,738,457, C>T. VCF-style: chr15-33738457-C-T. GRCh37 (hg19) VCF-style: chr15-34030658-C-T.
Other names: c.7523C>T, p.Thr2508Met (NM_001243996.4); c.7523C>T (NM_001036.3); short protein forms T2508M.
Identifiers: ClinVar variation 661245 (VCV000661245.13), dbSNP rs200542900, ClinGen allele CA7459909.

ClinVar aggregate classification (germline): Uncertain significance. Review status: criteria provided, multiple submitters, no conflicts (2 of 4 stars). 3 submissions from 3 submitters: Uncertain significance (3). Last evaluated 2025-04-18.

Conditions:
Epileptic encephalopathy. Identifiers: MedGen C0543888, HP:0200134.

Allele frequency attached by ClinVar (database versions not stated): gnomAD 0.00022; gnomAD exomes 0.00022; ExAC 0.00026; TOPMed 0.00028; ESP Exome Variant Server 0.00033.
gnomAD v4.1: 689 of 1,612,990 alleles (0.043%); highest among the groups gnomAD compares: Non-Finnish European, 0.051%; 1 homozygote.

Submissions (3):

Women's Health and Genetics/Laboratory Corporation of America, LabCorp
Classification: Uncertain significance. Last evaluated: 2025-04-18. Review status: criteria provided, single submitter. Criteria: LabCorp Variant Classification Summary - May 2015. Collection method: clinical testing. Allele origin: germline.
Comment: Variant summary: RYR3 c.7523C>T (p.Thr2508Met) results in a non-conservative amino acid change in the encoded protein sequence. Four of four in-silico tools predict a damaging effect of the variant on protein function. The variant allele was found at a frequency of 0.00022 in 247154 control chromosomes (gnomAD). This frequency is not significantly higher than estimated for a pathogenic variant in RYR3 causing Congenital Myopathy 20, allowing no conclusion about variant significance. To our knowledge, no occurrence of c.7523C>T in individuals affected with Congenital Myopathy 20 and no experimental evidence demonstrating its impact on protein function have been reported. ClinVar contains an entry for this variant (Variation ID: 661245). Based on the evidence outlined above, the variant was classified as uncertain significance.

Labcorp Genetics (formerly Invitae), Labcorp
Classification: Uncertain significance for Epileptic encephalopathy. Last evaluated: 2024-10-15. Review status: criteria provided, single submitter. Criteria: Invitae Variant Classification Sherloc (09022015). Collection method: clinical testing. Allele origin: germline.
Comment: This sequence change replaces threonine, which is neutral and polar, with methionine, which is neutral and non-polar, at codon 2508 of the RYR3 protein (p.Thr2508Met). This variant is present in population databases (rs200542900, gnomAD 0.05%). This variant has not been reported in the literature in individuals affected with RYR3-related conditions. ClinVar contains an entry for this variant (Variation ID: 661245). Invitae Evidence Modeling of protein sequence and biophysical properties (such as structural, functional, and spatial information, amino acid conservation, physicochemical variation, residue mobility, and thermodynamic stability) indicates that this missense variant is expected to disrupt RYR3 protein function with a positive predictive value of 80%. In summary, the available evidence is currently insufficient to determine the role of this variant in disease. Therefore, it has been classified as a Variant of Uncertain Significance.

Ambry Genetics
Classification: Uncertain significance. Last evaluated: 2024-08-27. Review status: criteria provided, single submitter. Criteria: Ambry Variant Classification Scheme 2023. Collection method: clinical testing. Allele origin: germline.